The following is an entry in ClinVar:

ClinVar aggregate classification (germline): Benign. Review status: criteria provided, multiple submitters, no conflicts (2 of 4 stars). 2 submissions from 2 submitters: Benign (2). Last evaluated 2017-04-27.

Conditions:
Combined oxidative phosphorylation defect type 7. Identifiers: Orphanet 254930, MedGen C3150801, MONDO:0013306, OMIM 613559.

Allele frequency attached by ClinVar (database versions not stated): 1000 Genomes Project 30x 0.54716; 1000 Genomes Project 0.55731; TOPMed 0.56229; gnomAD 0.57786 and 0.58799; gnomAD exomes 0.74957.
gnomAD v4.1: 98,483 of 163,836 alleles (60%); highest among the groups gnomAD compares: Non-Finnish European, 75%; 34,072 homozygotes.

Submissions (2):

Illumina Laboratory Services, Illumina
Classification: Benign for Combined oxidative phosphorylation defect type 7. Last evaluated: 2017-04-27. Review status: criteria provided, single submitter. Criteria: ICSL Variant Classification Criteria 13 December 2019. Collection method: clinical testing. Allele origin: germline.
Comment: This variant was observed as part of a predisposition screen in an ostensibly healthy population. A literature search was performed for the gene, cDNA change, and amino acid change (where applicable). No publications were found based on this search. Allele frequency data from public databases was too high to be consistent with this variant causing disease. Therefore, this variant is classified as benign.

Breakthrough Genomics
Classification: Benign. Review status: criteria provided, single submitter. Criteria: ACMG Guidelines, 2015. Collection method: not provided. Allele origin: germline. Inheritance: Autosomal recessive inheritance. Affected: yes.

NM_152269.5(MTRFR):c.*483G>A

Gene: MTRFR (mitochondrial translation release factor in rescue; plus strand). Cytogenetic location: 12q24.31.
Variant type: single nucleotide variant.
Coding change: c.*483G>A on transcript NM_152269.5 (MANE Select); 483 bases downstream of the stop codon, G replaced by A.
Molecular consequence: 3 prime UTR variant.
Genome position (GRCh38, 1-based): chr12:123,257,514, G>A. VCF-style: chr12-123257514-G-A. GRCh37 (hg19) VCF-style: chr12-123742061-G-A.
Other names: c.*483G>A (NM_001143905.2, NM_001194995.1).
Identifiers: ClinVar variation 307507 (VCV000307507.6), dbSNP rs1969355, ClinGen allele CA10632171.